The following is an entry in ClinVar:

ClinVar aggregate classification (germline): Conflicting classifications of pathogenicity. Review status: criteria provided, conflicting classifications (1 of 4 stars). 3 submissions from 3 submitters: Uncertain significance (2); Likely benign (1). Last evaluated 2025-03-01.

Conditions:
Cardiovascular phenotype. Identifiers: MedGen CN230736.
Long QT syndrome (LQTS). Identifiers: MedGen C0023976, MeSH D008133, MONDO:0002442. Disease mechanism: loss of function. Inheritance: Various modes of inheritance.

Allele frequency attached by ClinVar (database versions not stated): gnomAD exomes below 0.00001; TOPMed below 0.00001.

Submissions (3):

GeneDx
Classification: Uncertain significance. Last evaluated: 2025-03-01. Review status: criteria provided, single submitter. Criteria: GeneDx Variant Classification Process June 2021. Collection method: clinical testing. Allele origin: germline. Affected: yes.
Comment: Not observed at significant frequency in large population cohorts (gnomAD); In silico analysis supports that this missense variant has a deleterious effect on protein structure/function; Has not been previously published as pathogenic or benign to our knowledge

Labcorp Genetics (formerly Invitae), Labcorp
Classification: Likely benign for Long QT syndrome. Last evaluated: 2024-09-28. Review status: criteria provided, single submitter. Criteria: Invitae Variant Classification Sherloc (09022015). Collection method: clinical testing. Allele origin: germline.

Ambry Genetics
Classification: Uncertain significance for Cardiovascular phenotype. Last evaluated: 2024-09-17. Review status: criteria provided, single submitter. Criteria: Ambry Variant Classification Scheme 2023. Collection method: clinical testing. Allele origin: germline.
Comment: The p.M1683T variant (also known as c.5048T>C), located in coding exon 41 of the CACNA1C gene, results from a T to C substitution at nucleotide position 5048. The methionine at codon 1683 is replaced by threonine, an amino acid with similar properties. This amino acid position is well conserved in available vertebrate species. In addition, the in silico prediction for this alteration is inconclusive. Based on the available evidence, the clinical significance of this variant remains unclear.

NM_000719.7(CACNA1C):c.5048T>C (p.Met1683Thr)

Genes: CACNA1C (calcium voltage-gated channel subunit alpha1 C; plus strand), CACNA1C-AS1 (CACNA1C antisense RNA 1; minus strand). Cytogenetic location: 12p13.33.
Variant type: single nucleotide variant.
Coding change: c.5048T>C on transcript NM_000719.7 (MANE Select); coding-DNA position 5048, T replaced by C.
Protein change: p.Met1683Thr; replaces methionine 1683 with threonine.
Molecular consequence: missense variant. On other transcripts: non-coding transcript variant (1).
Genome position (GRCh38, 1-based): chr12:2,677,824, T>C. VCF-style: chr12-2677824-T-C. GRCh37 (hg19) VCF-style: chr12-2786990-T-C.
Other names: c.5192T>C, p.Met1731Thr (NM_001129827.2, NM_199460.4); c.5171T>C, p.Met1724Thr (NM_001129829.2); c.5048T>C, p.Met1683Thr (NM_001129830.3, NM_001129840.2, NM_001129841.2 and 4 more transcripts); c.5132T>C, p.Met1711Thr (NM_001129831.2); c.5108T>C, p.Met1703Thr (NM_001129832.2); c.5105T>C, p.Met1702Thr (NM_001129833.2, NM_001129834.2, NM_001129835.2); c.5099T>C, p.Met1700Thr (NM_001129836.2); c.5072T>C, p.Met1691Thr (NM_001129837.2, NM_001129838.2); and 4 more; short protein forms M1702T, M1703T, M1691T, M1731T, M1672T, M1683T, M1689T, M1711T.
Identifiers: ClinVar variation 1426563 (VCV001426563.10), dbSNP rs1231959976, ClinGen allele CA383378371.